The following is an entry in ClinVar:

NM_004064.5(CDKN1B):c.379dup (p.Asp127fs)

Gene: CDKN1B (cyclin dependent kinase inhibitor 1B; plus strand). Cytogenetic location: 12p13.1.
Variant type: Duplication.
Coding change: c.379dup on transcript NM_004064.5 (MANE Select); coding-DNA position 379, one base duplicated (G; older notation c.379dupG).
Protein change: p.Asp127fs; shifts the reading frame from aspartic acid 127.
Molecular consequence: frameshift variant.
Genome position (GRCh38, 1-based): chr12:12,718,218, G duplicated; the last of 2 consecutive G bases (chr12:12,718,217-12,718,218); duplicating either gives the same sequence. VCF-style (leftmost placement, unchanged base first): chr12-12718216-A-AG. GRCh37 (hg19) VCF-style: chr12-12871150-A-AG.
Other names: short protein forms D127fs.
Identifiers: ClinVar variation 2695719 (VCV002695719.3), dbSNP rs2497405485, ClinGen allele CA2697559113.
Genomic context (GRCh38, chr12:12,718,216, plus strand): 5'-GCCAGGATGTCAGCGGGAGCCGCCCGGCGGCGCCTTTAATTGGGGCTCCGGCTAACTCTG[A>AG]GGACACGCATTTGGTGGACCCAAAGACTGATCCGTCGGACAGCCAGACGGGGTTAGCGGA-3'

ClinVar aggregate classification (germline): Pathogenic (1 of 4 stars; one submission).

Conditions:
Multiple endocrine neoplasia type 4. Also called: MULTIPLE ENDOCRINE NEOPLASIA, TYPE IV. Identifiers: Orphanet 276152, MedGen C1970712, MONDO:0012552, OMIM 610755.

Submission:

Labcorp Genetics (formerly Invitae), Labcorp
Classification: Pathogenic for Multiple endocrine neoplasia type 4. Last evaluated: 2023-11-14. Review status: criteria provided, single submitter. Criteria: Invitae Variant Classification Sherloc (09022015). Collection method: clinical testing. Allele origin: germline.
Comment: This sequence change creates a premature translational stop signal (p.Asp127Glyfs*10) in the CDKN1B gene. It is expected to result in an absent or disrupted protein product. Loss-of-function variants in CDKN1B are known to be pathogenic (PMID: 17030811, 24819502). This variant is not present in population databases (gnomAD no frequency). This variant has not been reported in the literature in individuals affected with CDKN1B-related conditions. For these reasons, this variant has been classified as Pathogenic.

Literature cited by the submitters: PubMed 17030811; PubMed 24819502.